The following is an entry in ClinVar:

ClinVar aggregate classification (germline): Likely benign (0 of 4 stars; one submission).

Conditions:
PLXNA3-related disorder. Also called: PLXNA3-related condition.

Submission:

PreventionGenetics, part of Exact Sciences
Classification: Likely benign for PLXNA3-related condition. Last evaluated: 2022-07-11. Review status: no assertion criteria provided. Collection method: clinical testing. Allele origin: germline.
Comment: This variant is classified as likely benign based on ACMG/AMP sequence variant interpretation guidelines (Richards et al. 2015 PMID: 25741868, with internal and published modifications).

NM_017514.5(PLXNA3):c.270G>A (p.Leu90=)

Gene: PLXNA3 (plexin A3; plus strand). Cytogenetic location: Xq28.
Variant type: single nucleotide variant.
Coding change: c.270G>A on transcript NM_017514.5 (MANE Select); coding-DNA position 270, G replaced by A.
Protein change: p.Leu90=; no amino-acid change (leucine 90 retained).
Molecular consequence: synonymous variant.
Genome position (GRCh38, 1-based): chrX:154,460,453, G>A. VCF-style: chrX-154460453-G-A. GRCh37 (hg19) VCF-style: chrX-153688793-G-A.
Identifiers: ClinVar variation 3354539 (VCV003354539.1).